The following continues an entry in ClinVar:

NM_000153.4(GALC):c.334A>G (p.Thr112Ala)

Gene: GALC. ClinVar aggregate classification (germline): Conflicting classifications of pathogenicity. Pathogenic (3); Likely pathogenic (7); Uncertain significance (14).

Submissions 10 to 19 of 31:

Dubai Health Genomic Medicine Center, Dubai Health
Classification: Likely pathogenic for Krabbe disease. Last evaluated: 2024-10-04. Review status: criteria provided, single submitter. Criteria: ACMG Guidelines, 2015. Collection method: research. Allele origin: germline. Affected: yes.
Comment: PM1,PP2,PP3,PP4

Foundation for Research in Genetics and Endocrinology, FRIGE's Institute of Human Genetics
Classification: Likely pathogenic for Galactosylceramide beta-galactosidase deficiency. Last evaluated: 2024-05-09. Review status: criteria provided, single submitter. Criteria: ACMG Guidelines, 2015. Collection method: clinical testing. Allele origin: germline. Inheritance: Autosomal recessive inheritance. Affected: yes. Observed: 1 compound heterozygote.
Comment: A heterozygous variant in exon 4 of the GALC gene that results in the amino acid substitution of Alanine for Threonine at codon 112 was detected. The observed variant c.334A>G (p.Thr112Ala) has not been reported in the 1000 genomes database and has MAF of 0.2526% in gnomAD database. The in silico prediction is damaging by MutationTaster and DANN. In summary, the variant meets our criteria to be classified as likely pathogenic.

Mendelics
Classification: Uncertain significance for Galactosylceramide beta-galactosidase deficiency. Last evaluated: 2023-12-26. Review status: criteria provided, single submitter. Criteria: Mendelics Assertion Criteria 2017. Collection method: clinical testing. Allele origin: unknown.

Laboratory for Molecular Medicine, Mass General Brigham Personalized Medicine
Classification: Uncertain significance for Galactosylceramide beta-galactosidase deficiency. Last evaluated: 2023-12-18. Review status: criteria provided, single submitter. Criteria: ACMG Guidelines, 2015. Collection method: clinical testing. Allele origin: germline. Inheritance: Autosomal recessive inheritance.
Comment: The p.Thr112Ala (NM_000153.3 c.334A>G, also referred to as p.Thr96Ala) variant in GALC has been reported in 4 compound heterozygous individuals with clinical features of late-onset Krabbe disease (Luzi 1996 PMID: 8687180, Debs 2013 PMID: 23197103, and Shao 2016 PMID: 26915362), and segregated in 3 affected siblings (Shao 2016 PMID: 26915362). This variant is also the most common referral for followup testing for Krabbe disease by newborn screening programs in the heterozygous, homozygous, and compound heterozygous states (Orsini 2016 PMID: 26795590). Upon further testing, these newborns were all classified into the moderate-, low-, or no-risk categories. This variant has been identified in 0.4% (508/126254) of European chromosomes and 4 homozygotes by the Genome Aggregation Database (gnomAD; dbSNP rs147313927). This variant has also been reported in ClinVar (Variation ID 92503). In vitro functional studies provide evidence that the p.Thr112Ala variant leads to reduced enzymatic activity, though not at levels as low as variants causing infantile-onset disease (Saavedra-Matiz 2016 PMID: 23509109, Orsini 2016 PMID: 26795590). Computational prediction tools and conservation analysis suggest that the p.Thr112Ala variant may impact the protein, though this information is not predictive enough to determine pathogenicity. In summary, while there is some suspicion for a pathogenic role, the clinical significance of this variant is uncertain and although at least one individual affected during childhood has been reported, has typically been associated with late-onset disease. ACMG/AMP Criteria applied: BS1, PS3_Moderate, PM3, PP1, PP3.

Neuberg Centre For Genomic Medicine, NCGM
Classification: Likely pathogenic for Galactosylceramide beta-galactosidase deficiency. Last evaluated: 2023-06-22. Review status: criteria provided, single submitter. Criteria: ACMG Guidelines, 2015. Collection method: clinical testing. Allele origin: germline. Inheritance: Autosomal recessive inheritance. Affected: yes.
Comment: The missense variant c.334A>G(p.Thr112Ala) in GALC gene has been reported in homozygous / compound heterozygous state in multiple individuals affected with late-onset Krabbe disease with evidence of disease co-segregation in one family (Nashabat et. al., 2019; Shao et. al., 2016). Experimental studies have shown that this missense change alone causes a mild reduction of GALC enzyme activity (Saavedra et. al., 2016). The observed variant has allele frequency of 0.2% with 3 homozygotes in gnomAD eoxmes database. This variant has been reported to the ClinVar database as Likely Benign / Uncertain Significance / Likely Pathogenic / Pathogenic. Multiple lines of computational evidence (Polyphen - probably damaging, SIFT - damaging and MutationTaster - disease causing) predict a damaging effect on protein structure and function for this variant. The reference amino acid change p.Thr112Ala in GALC is predicted as conserved by GERP++ and PhyloP across 100 vertebrates. The amino acid Thr at position 112 is changed to a Ala changing protein sequence and it might alter its composition and physico-chemical properties. However, additonal literature and functional studies will be required to confirm the pathogenicity of the variant conclusively. For these reasons, this variant has been classified as Likely Pathogenic. In the absence of another reportable variant in GALC gene, the molecular diagnosis is not confirmed.

MGZ Medical Genetics Center
Classification: Uncertain significance for Galactosylceramide beta-galactosidase deficiency. Last evaluated: 2022-07-01. Review status: criteria provided, single submitter. Criteria: ACMG Guidelines, 2015. Collection method: clinical testing. Allele origin: germline. Affected: yes. Observed: 3 variant alleles.
Comment: ACMG criteria applied: PM1, PP2, PP3, BS1

Centre of Medical Genetics, University Hospital Muenster
Classification: Likely pathogenic for Galactosylceramide beta-galactosidase deficiency. Last evaluated: 2022-03-28. Review status: criteria provided, single submitter. Criteria: ACMG Guidelines, 2015. Collection method: clinical testing. Allele origin: germline. Affected: yes. Observed: 1 variant allele, 1 compound heterozygote.
Comment: ACMG categories: PS3,PM1,PM3,PP3

Molecular Genetics, Royal Melbourne Hospital
Classification: Uncertain significance for Galactosylceramide beta-galactosidase deficiency. Last evaluated: 2020-11-20. Review status: criteria provided, single submitter. Criteria: ACMG Guidelines, 2015. Collection method: clinical testing. Allele origin: germline.
Comment: This sequence change is predicted to replace threonine with alanine at codon 112 of the GALC protein (p.(Thr112Ala), also known as p.Thr96Ala). The threonine residue is evolutionarily conserved (100 vertebrates, UCSC), and is located in the Glycosyl hydrolase family 59 domain in a triosephosphate isomerase barrel (PMID: 21876145). There is a small physicochemical difference between threonine and alanine. The variant is present in a large population cohort at a frequency of 0.25% (rs147313927, 709/280,348 alleles, 4 homozygotes in gnomAD v2.1), with an allele frequency of 0.4% in the European (non-Finnish) population (BS1; gnomAD v2.1). The variant has been identified in the homozygous state and compound heterozygous with a second allele in at least three individuals with Krabbe disease, and reported to segregate with adult-onset predominant cerebellar ataxia with mild spasticity in five affected individuals (PP1_Strong, PM3; PMID: 8687180, 23197103, 26915362, 31053700). The variant has been reported with reduced enzyme activity in patient cells and in in vitro assays. However, there is in vitro and patient enzyme activity evidence that occurrence of the pseudoefficiency variant p.Ile562Thr is required in cis with the variant to produce disease causing GALC deficiency (PMID: 8687180, 26795590, 27638593). Multiple lines of computational evidence predict a deleterious effect for the missense substitution (PP3; 5/6 algorithms). Based on the classification scheme RMH ACMG Guidelines v1.2.1, this variant is classified as a VARIANT OF UNCERTAIN SIGNIFICANCE. Following criteria are met: PP1_Strong, PM3, BS1, PP3.

Institute of Medical Genetics and Applied Genomics, University Hospital Tübingen
Classification: Likely pathogenic. Last evaluated: 2020-10-23. Review status: criteria provided, single submitter. Criteria: ACMG Guidelines, 2015. Collection method: clinical testing. Allele origin: germline. Inheritance: Unknown mechanism. Affected: yes.

Victorian Clinical Genetics Services, Murdoch Childrens Research Institute
Classification: Uncertain significance for Galactosylceramide beta-galactosidase deficiency. Last evaluated: 2020-05-21. Review status: criteria provided, single submitter. Criteria: ACMG Guidelines, 2015. Collection method: clinical testing. Allele origin: germline. Inheritance: Autosomal recessive inheritance. Affected: yes.
Comment: A homozygous missense variant was identified, NM_000153.3(GALC):c.334A>G in exon 4 of the GALC gene. This substitution is predicted to create a minor amino acid change from a threonine to an alanine at position 112 of the protein; NP_000144.2(GALC):p.Thr112Ala. The threonine at this position has very high conservation (100 vertebrates, UCSC), and is located within the Glycosyl hydrolase family 59 functional domain (NCBI, PDB). In silico software predicts this variant to be damaging (PolyPhen2, SIFT, CADD, Mutation Taster). The variant is present in the gnomAD population database at a global population frequency of 0.25% (701 heterozygotes, 4 homozygotes) with a European sub-population frequency of 0.40%. This variant has been previously reported as likely pathogenic in patients with Krabbe disease (Nashabat, M., et al. (2019)), and as a VUS (ClinVar, Orsini, J. J., et al. (2016)). It has also been shown to segregate with disease in one family (Shao, Y. H. et al. (2016)). In addition, functional studies show reduced GALC activity but the effect of this reduction is unknown (Orsini, J. J., et al. (2016), Saavedra-Matiz, C. A. et al. (2016)). Based on information available at the time of curation, this variant has been classified as a VUS.